The following is an entry in ClinVar:

ClinVar aggregate classification (germline): Likely benign. Review status: criteria provided, multiple submitters, no conflicts (2 of 4 stars). 4 submissions from 4 submitters: Likely benign (3). 1 of the submissions does not count toward it. Last evaluated 2024-03-05.

Conditions:
RYR1-related disorder. Also called: RYR1-related disorders; RYR1-related condition. Identifiers: MedGen CN239331.
Malignant hyperthermia, susceptibility to, 1 (MHS1). Also called: RYR1-Related Malignant Hyperthermia Susceptibility; Malignant hyperthermia suceptibility 1; Anesthesia related hyperthermia; Malignant hyperpyrexia; Fulminating hyperpyrexia; Pharmacogenic myopathy. Identifiers: Orphanet 423, MedGen C2930980, MONDO:0007783, OMIM 145600.

Allele frequency attached by ClinVar (database versions not stated): gnomAD exomes below 0.00001; TOPMed below 0.00001; ExAC 0.00001; gnomAD 0.00001; 1000 Genomes Project 30x 0.00016; 1000 Genomes Project 0.00020.
gnomAD v4.1: 17 of 1,614,120 alleles (0.0011%); highest among the groups gnomAD compares: African/African-American, 0.0013%; no homozygotes.

Submissions (4):

Labcorp Genetics (formerly Invitae), Labcorp
Classification: Likely benign for RYR1-related disorder. Last evaluated: 2024-03-05. Review status: criteria provided, single submitter. Criteria: Invitae Variant Classification Sherloc (09022015). Collection method: clinical testing. Allele origin: germline.

All of Us Research Program, National Institutes of Health
Classification: Likely benign for Malignant hyperthermia, susceptibility to, 1. Last evaluated: 2023-04-03. Review status: criteria provided, single submitter. Criteria: ACMG Guidelines, 2015. Collection method: clinical testing. Allele origin: germline. Inheritance: Autosomal dominant inheritance. Observed: 1 variant allele, 1 heterozygote.
Comment: This study involves interpretation of variants in research participants for the purpose of population health screening. Participant phenotype was not available at the time of variant classification. Additional details can be found in publication PMID: 35346344, PMCID: PMC8962531

Color Diagnostics, LLC DBA Color Health
Classification: Likely benign for Malignant hyperthermia, susceptibility to, 1. Last evaluated: 2023-03-29. Review status: criteria provided, single submitter. Criteria: ACMG Guidelines, 2015. Collection method: clinical testing. Allele origin: germline.

RYR1 database
No classification provided. Review status: no classification provided. Collection method: not provided. Allele origin: unknown. Not counted in ClinVar's aggregate classification.

NM_000540.3(RYR1):c.10086C>T (p.Ile3362=)

Gene: RYR1 (ryanodine receptor 1; plus strand). Cytogenetic location: 19q13.2.
Variant type: single nucleotide variant.
Coding change: c.10086C>T on transcript NM_000540.3 (MANE Select); coding-DNA position 10086, C replaced by T.
Protein change: p.Ile3362=; no amino-acid change (isoleucine 3362 retained).
Molecular consequence: synonymous variant.
Genome position (GRCh38, 1-based): chr19:38,519,281, C>T. VCF-style: chr19-38519281-C-T. GRCh37 (hg19) VCF-style: chr19-39009921-C-T.
Other names: c.10086C>T, p.Ile3362= (NM_001042723.2).
Identifiers: ClinVar variation 132989 (VCV000132989.8), dbSNP rs193922835, ClinGen allele CA023811.
Genomic context (GRCh38, chr19:38,519,281, plus strand): 5'-ACAGCCCATTGTGAGCCGTGCACGGCCGGAGCTCCTGCAGTCCCACTTCATCCCAACTAT[C>T]GGGCGGCTGCGCAAGAGGGCAGGGAAGGTGGTGTCCGAGGAGGAGCAGCTGCGCCTGGAG-3'
Protein context (NP_000531.2, residues 3352-3372): ELLQSHFIPT[Ile3362=]GRLRKRAGKV